The following is an entry in ClinVar:

ClinVar aggregate classification (germline): Uncertain significance (1 of 4 stars; one submission).

Conditions:
Cardiovascular phenotype. Identifiers: MedGen CN230736.

Allele frequency attached by ClinVar (database versions not stated): gnomAD exomes below 0.00001; gnomAD 0.00001; TOPMed 0.00001.
gnomAD v4.1: 2 of 1,607,334 alleles (0.00012%); highest among the groups gnomAD compares: African/African-American, 0.0027%; no homozygotes.

Submission:

Ambry Genetics
Classification: Uncertain significance for Cardiovascular phenotype. Last evaluated: 2022-12-16. Review status: criteria provided, single submitter. Criteria: Ambry Variant Classification Scheme 2023. Collection method: clinical testing. Allele origin: germline.
Comment: The p.V536M variant (also known as c.1606G>A), located in coding exon 11 of the LMF1 gene, results from a G to A substitution at nucleotide position 1606. The valine at codon 536 is replaced by methionine, an amino acid with highly similar properties. This amino acid position is conserved. In addition, this alteration is predicted to be tolerated by in silico analysis. Since supporting evidence is limited at this time, the clinical significance of this alteration remains unclear.

NM_022773.4(LMF1):c.1606G>A (p.Val536Met)

Gene: LMF1 (lipase maturation factor 1; minus strand). Cytogenetic location: 16p13.3.
Variant type: single nucleotide variant.
Coding change: c.1606G>A on transcript NM_022773.4 (MANE Select); coding-DNA position 1606, G replaced by A.
Protein change: p.Val536Met; replaces valine 536 with methionine.
Molecular consequence: missense variant. On other transcripts: non-coding transcript variant (1).
Genome position (GRCh38, 1-based): chr16:854,630, C>T on the plus strand (G>A on the coding strand, the complement: LMF1 is on the minus strand). VCF-style: chr16-854630-C-T. GRCh37 (hg19) VCF-style: chr16-904630-C-T.
Other names: c.955G>A, p.Val319Met (NM_001352017.2, NM_001352021.2); c.1207G>A, p.Val403Met (NM_001352018.2); c.1279G>A, p.Val427Met (NM_001352019.2); c.1526G>A, p.Gly509Asp (NM_001352020.1); short protein forms G509D, V319M, V427M, V403M, V536M.
Identifiers: ClinVar variation 2451796 (VCV002451796.2), dbSNP rs1395199265, ClinGen allele CA394114757.